The following is an entry in ClinVar:

NM_203446.3(SYNJ1):c.517G>A (p.Val173Met)

Gene: SYNJ1 (synaptojanin 1; minus strand). Cytogenetic location: 21q22.11.
Variant type: single nucleotide variant.
Coding change: c.517G>A on transcript NM_203446.3 (MANE Select); coding-DNA position 517, G replaced by A.
Protein change: p.Val173Met; replaces valine 173 with methionine.
Molecular consequence: missense variant.
Genome position (GRCh38, 1-based): chr21:32,695,245, C>T on the plus strand (G>A on the coding strand, the complement: SYNJ1 is on the minus strand). VCF-style: chr21-32695245-C-T. GRCh37 (hg19) VCF-style: chr21-34067555-C-T.
Other names: c.517G>A, p.Val173Met (NM_001160302.2, NM_001160306.2); c.634G>A, p.Val212Met (NM_003895.4); short protein forms V173M, V212M.
Identifiers: ClinVar variation 1005847 (VCV001005847.6), dbSNP rs756663722, ClinGen allele CA10004112.

ClinVar aggregate classification (germline): Uncertain significance (1 of 4 stars; one submission).

Conditions:
Early-onset Parkinson disease 20. Also called: PARKINSON DISEASE 20, AUTOSOMAL RECESSIVE EARLY-ONSET. Identifiers: Orphanet 391411, MedGen C3809824, MONDO:0014233, OMIM 615530.
Developmental and epileptic encephalopathy, 53. Also called: Epileptic encephalopathy, early infantile, 53. Identifiers: MedGen C4479313, MONDO:0033362, OMIM 617389.

Allele frequency attached by ClinVar (database versions not stated): gnomAD exomes 0.00001 and 0.00002; TOPMed 0.00002; ExAC 0.00001; gnomAD 0.00005 and 0.00006.
gnomAD v4.1: 35 of 1,613,818 alleles (0.0022%); highest among the groups gnomAD compares: African/African-American, 0.011%; no homozygotes.

Submission:

Labcorp Genetics (formerly Invitae), Labcorp
Classification: Uncertain significance for Developmental and epileptic encephalopathy, 53; Early-onset Parkinson disease 20. Last evaluated: 2022-06-30. Review status: criteria provided, single submitter. Criteria: Invitae Variant Classification Sherloc (09022015). Collection method: clinical testing. Allele origin: germline.
Comment: This sequence change replaces valine, which is neutral and non-polar, with methionine, which is neutral and non-polar, at codon 212 of the SYNJ1 protein (p.Val212Met). This variant is present in population databases (rs756663722, gnomAD 0.004%). This variant has not been reported in the literature in individuals affected with SYNJ1-related conditions. ClinVar contains an entry for this variant (Variation ID: 1005847). Algorithms developed to predict the effect of missense changes on protein structure and function are either unavailable or do not agree on the potential impact of this missense change (SIFT: "Deleterious"; PolyPhen-2: "Probably Damaging"; Align-GVGD: "Class C0"). In summary, the available evidence is currently insufficient to determine the role of this variant in disease. Therefore, it has been classified as a Variant of Uncertain Significance.